The following is an entry in ClinVar:

ClinVar aggregate classification (germline): Uncertain significance (1 of 4 stars; one submission).

Conditions:
Combined oxidative phosphorylation defect type 21. Also called: Combined oxidative phosphorylation deficiency 21. Identifiers: Orphanet 420733, MedGen C4706316, MONDO:0014398, OMIM 615918.

gnomAD v4.1: 5 of 1,613,902 alleles (0.00031%); highest among the groups gnomAD compares: African/African-American, 0.0067%; no homozygotes.

Submission:

Laboratorio de Genetica e Diagnostico Molecular, Hospital Israelita Albert Einstein
Classification: Uncertain significance for Combined oxidative phosphorylation defect type 21. Last evaluated: 2025-08-25. Review status: criteria provided, single submitter. Criteria: ACMG Guidelines, 2015. Collection method: clinical testing. Allele origin: germline. Affected: yes.
Comment: ACMG classification criteria: PM2 supporting, PM3 supporting, BP4 supporting

NM_025150.5(TARS2):c.1001C>T (p.Ala334Val)

Gene: TARS2 (threonyl-tRNA synthetase 2, mitochondrial; plus strand). Cytogenetic location: 1q21.2.
Variant type: single nucleotide variant.
Coding change: c.1001C>T on transcript NM_025150.5 (MANE Select); coding-DNA position 1001, C replaced by T.
Protein change: p.Ala334Val; replaces alanine 334 with valine.
Molecular consequence: missense variant. On other transcripts: non-coding transcript variant (1), intron variant (2).
Genome position (GRCh38, 1-based): chr1:150,496,889, C>T. VCF-style: chr1-150496889-C-T. GRCh37 (hg19) VCF-style: chr1-150469365-C-T.
Other names: c.775-641C>T (NM_001271895.2); c.631-641C>T (NM_001271896.2); short protein forms A334V.
Identifiers: ClinVar variation 4846948 (VCV004846948.1).